The following is an entry in ClinVar:

NM_205836.3(FBXO38):c.652G>A (p.Val218Ile)

Gene: FBXO38 (F-box protein 38; plus strand). Cytogenetic location: 5q32.
Variant type: single nucleotide variant.
Coding change: c.652G>A on transcript NM_205836.3 (MANE Select); coding-DNA position 652, G replaced by A.
Protein change: p.Val218Ile; replaces valine 218 with isoleucine.
Molecular consequence: missense variant.
Genome position (GRCh38, 1-based): chr5:148,404,744, G>A. VCF-style: chr5-148404744-G-A. GRCh37 (hg19) VCF-style: chr5-147784307-G-A.
Other names: c.652G>A, p.Val218Ile (NM_001271723.2, NM_030793.5); short protein forms V218I.
Identifiers: ClinVar variation 1501080 (VCV001501080.6), dbSNP rs747805838, ClinGen allele CA3497090.

ClinVar aggregate classification (germline): Uncertain significance (1 of 4 stars; one submission).

Conditions:
Distal hereditary motor neuropathy type 2. Identifiers: Orphanet 139525, MedGen C3711384, MeSH C580044, MONDO:0015352.

Allele frequency attached by ClinVar (database versions not stated): TOPMed below 0.00001; ExAC 0.00001; gnomAD exomes 0.00001.
gnomAD v4.1: 8 of 1,607,624 alleles (0.0005%); highest among the groups gnomAD compares: Non-Finnish European, 0.00059%; no homozygotes.

Submission:

Labcorp Genetics (formerly Invitae), Labcorp
Classification: Uncertain significance for Distal hereditary motor neuropathy type 2. Last evaluated: 2025-03-21. Review status: criteria provided, single submitter. Criteria: Invitae Variant Classification Sherloc (09022015). Collection method: clinical testing. Allele origin: germline.
Comment: This sequence change replaces valine, which is neutral and non-polar, with isoleucine, which is neutral and non-polar, at codon 218 of the FBXO38 protein (p.Val218Ile). This variant is present in population databases (rs747805838, gnomAD 0.003%). This variant has not been reported in the literature in individuals affected with FBXO38-related conditions. ClinVar contains an entry for this variant (Variation ID: 1501080). Invitae Evidence Modeling of protein sequence and biophysical properties (such as structural, functional, and spatial information, amino acid conservation, physicochemical variation, residue mobility, and thermodynamic stability) has been performed for this missense variant. However, the output from this modeling did not meet the statistical confidence thresholds required to predict the impact of this variant on FBXO38 protein function. In summary, the available evidence is currently insufficient to determine the role of this variant in disease. Therefore, it has been classified as a Variant of Uncertain Significance.